The following is an entry in ClinVar:

NM_000553.6(WRN):c.4226T>G (p.Val1409Gly)

Genes: WRN (WRN RecQ like helicase; plus strand), LOC126860342 (MED14-independent group 3 enhancer GRCh37_chr8:31029565-31030764; plus strand). Cytogenetic location: 8p12.
Variant type: single nucleotide variant.
Coding change: c.4226T>G on transcript NM_000553.6 (MANE Select); coding-DNA position 4226, T replaced by G.
Protein change: p.Val1409Gly; replaces valine 1409 with glycine.
Molecular consequence: missense variant.
Genome position (GRCh38, 1-based): chr8:31,173,029, T>G. VCF-style: chr8-31173029-T-G. GRCh37 (hg19) VCF-style: chr8-31030545-T-G.
Other names: short protein forms V1409G.
Identifiers: ClinVar variation 2756509 (VCV002756509.3), dbSNP rs1804161839, ClinGen allele CA370911648.

ClinVar aggregate classification (germline): Uncertain significance (1 of 4 stars; one submission).

Conditions:
Werner syndrome (WRN). Identifiers: Orphanet 902, MedGen C0043119, MONDO:0010196, OMIM 277700.

Submission:

Labcorp Genetics (formerly Invitae), Labcorp
Classification: Uncertain significance for Werner syndrome. Last evaluated: 2023-06-02. Review status: criteria provided, single submitter. Criteria: Invitae Variant Classification Sherloc (09022015). Collection method: clinical testing. Allele origin: germline.
Comment: This sequence change replaces valine, which is neutral and non-polar, with glycine, which is neutral and non-polar, at codon 1409 of the WRN protein (p.Val1409Gly). This variant is not present in population databases (gnomAD no frequency). This variant has not been reported in the literature in individuals affected with WRN-related conditions. Algorithms developed to predict the effect of missense changes on protein structure and function output the following: SIFT: "Not Available"; PolyPhen-2: "Benign"; Align-GVGD: "Not Available". The glycine amino acid residue is found in multiple mammalian species, which suggests that this missense change does not adversely affect protein function. In summary, the available evidence is currently insufficient to determine the role of this variant in disease. Therefore, it has been classified as a Variant of Uncertain Significance.